The following is an entry in ClinVar:

NM_001613.4(ACTA2):c.92C>T (p.Ala31Val)

Gene: ACTA2 (actin alpha 2, smooth muscle; minus strand). Cytogenetic location: 10q23.31.
Variant type: single nucleotide variant.
Coding change: c.92C>T on transcript NM_001613.4 (MANE Select); coding-DNA position 92, C replaced by T.
Protein change: p.Ala31Val; replaces alanine 31 with valine.
Molecular consequence: missense variant.
Genome position (GRCh38, 1-based): chr10:88,948,839, G>A on the plus strand (C>T on the coding strand, the complement: ACTA2 is on the minus strand). VCF-style: chr10-88948839-G-A. GRCh37 (hg19) VCF-style: chr10-90708596-G-A.
Other names: c.92C>T, p.Ala31Val (NM_001141945.3, NM_001320855.2, NM_001406462.1 and 7 more transcripts); short protein forms A31V.
Identifiers: ClinVar variation 1766486 (VCV001766486.2), dbSNP rs2494578084, ClinGen allele CA377513655.

ClinVar aggregate classification (germline): Uncertain significance (1 of 4 stars; one submission).

Conditions:
Familial thoracic aortic aneurysm and aortic dissection (TAAD). Also called: Thoracic aortic aneurysms and dissections. Identifiers: Orphanet 91387, MedGen C4707243, MONDO:0019625.

Submission:

Ambry Genetics
Classification: Uncertain significance for Familial thoracic aortic aneurysm and aortic dissection. Last evaluated: 2022-07-06. Review status: criteria provided, single submitter. Criteria: Ambry Variant Classification Scheme 2023. Collection method: clinical testing. Allele origin: germline.
Comment: The p.A31V variant (also known as c.92C>T), located in coding exon 1 of the ACTA2 gene, results from a C to T substitution at nucleotide position 92. The alanine at codon 31 is replaced by valine, an amino acid with similar properties. This amino acid position is conserved. In addition, this alteration is predicted to be deleterious by in silico analysis. Since supporting evidence is limited at this time, the clinical significance of this alteration remains unclear.